The following is an entry in ClinVar:

NM_177550.5(SLC13A5):c.286G>A (p.Val96Met)

Gene: SLC13A5 (solute carrier family 13 member 5; minus strand). Cytogenetic location: 17p13.1.
Variant type: single nucleotide variant.
Coding change: c.286G>A on transcript NM_177550.5 (MANE Select); coding-DNA position 286, G replaced by A.
Protein change: p.Val96Met; replaces valine 96 with methionine.
Molecular consequence: missense variant.
Genome position (GRCh38, 1-based): chr17:6,706,724, C>T on the plus strand (G>A on the coding strand, the complement: SLC13A5 is on the minus strand). VCF-style: chr17-6706724-C-T. GRCh37 (hg19) VCF-style: chr17-6610043-C-T.
Other names: c.286G>A, p.Val96Met (NM_001143838.3, NM_001284509.2); c.157G>A, p.Val53Met (NM_001284510.2); c.286G>A (NM_177550.3); short protein forms V53M, V96M.
Identifiers: ClinVar variation 847878 (VCV000847878.9), dbSNP rs770640829, ClinGen allele CA8331788.

ClinVar aggregate classification (germline): Conflicting classifications of pathogenicity. Review status: criteria provided, conflicting classifications (1 of 4 stars). 3 submissions from 3 submitters: Uncertain significance (2); Likely benign (1). Last evaluated 2025-02-22.

Conditions:
Inborn genetic diseases. Identifiers: MedGen C0950123, MeSH D030342.
Developmental and epileptic encephalopathy, 25 (DEE25). Also called: Developmental and epileptic encephalopathy 25, with amelogenesis imperfecta; Epileptic encephalopathy, early infantile, 25, with amelogenesis imperfecta; Epileptic encephalopathy, early infantile, 25. Identifiers: Orphanet 442835, MedGen C4014621, MONDO:0014392, OMIM 615905.

Allele frequency attached by ClinVar (database versions not stated): gnomAD exomes 0.00001 and 0.00002; ExAC 0.00002; gnomAD 0.00003 and 0.00004; TOPMed 0.00005.
gnomAD v4.1: 16 of 1,613,962 alleles (0.00099%); highest among the groups gnomAD compares: African/African-American, 0.011%; no homozygotes.

Submissions (3):

Ambry Genetics
Classification: Likely benign for Inborn genetic diseases. Last evaluated: 2025-02-22. Review status: criteria provided, single submitter. Criteria: Ambry Variant Classification Scheme 2023. Collection method: clinical testing. Allele origin: germline.

Labcorp Genetics (formerly Invitae), Labcorp
Classification: Uncertain significance for Developmental and epileptic encephalopathy, 25. Last evaluated: 2024-06-03. Review status: criteria provided, single submitter. Criteria: Invitae Variant Classification Sherloc (09022015). Collection method: clinical testing. Allele origin: germline.
Comment: This sequence change replaces valine, which is neutral and non-polar, with methionine, which is neutral and non-polar, at codon 96 of the SLC13A5 protein (p.Val96Met). This variant is present in population databases (rs770640829, gnomAD 0.03%). This variant has not been reported in the literature in individuals affected with SLC13A5-related conditions. ClinVar contains an entry for this variant (Variation ID: 847878). Advanced modeling of protein sequence and biophysical properties (such as structural, functional, and spatial information, amino acid conservation, physicochemical variation, residue mobility, and thermodynamic stability) performed at Invitae indicates that this missense variant is not expected to disrupt SLC13A5 protein function with a negative predictive value of 80%. In summary, the available evidence is currently insufficient to determine the role of this variant in disease. Therefore, it has been classified as a Variant of Uncertain Significance.

Laboratorio de Genetica e Diagnostico Molecular, Hospital Israelita Albert Einstein
Classification: Uncertain significance. Last evaluated: 2019-06-14. Review status: criteria provided, single submitter. Criteria: ACMG Guidelines, 2015. Collection method: clinical testing. Allele origin: germline. Affected: yes.
Comment: ACMG classification criteria: PM2, BP4